The following is an entry in ClinVar:

NM_020433.5(JPH2):c.1948G>A (p.Ala650Thr)

Gene: JPH2 (junctophilin 2; minus strand). Cytogenetic location: 20q13.12.
Variant type: single nucleotide variant.
Coding change: c.1948G>A on transcript NM_020433.5 (MANE Select); coding-DNA position 1948, G replaced by A.
Protein change: p.Ala650Thr; replaces alanine 650 with threonine.
Molecular consequence: missense variant.
Genome position (GRCh38, 1-based): chr20:44,115,727, C>T on the plus strand (G>A on the coding strand, the complement: JPH2 is on the minus strand). VCF-style: chr20-44115727-C-T. GRCh37 (hg19) VCF-style: chr20-42744367-C-T.
Other names: short protein forms A650T.
Identifiers: ClinVar variation 1037202 (VCV001037202.12), dbSNP rs111319388, ClinGen allele CA9868559.

ClinVar aggregate classification (germline): Conflicting classifications of pathogenicity. Review status: criteria provided, conflicting classifications (1 of 4 stars). 3 submissions from 3 submitters: Uncertain significance (2); Likely benign (1). Last evaluated 2025-12-08.

Conditions:
Cardiovascular phenotype. Identifiers: MedGen CN230736.
Hypertrophic cardiomyopathy. Also called: HYPERTROPHIC MYOCARDIOPATHY. Identifiers: Orphanet 217569, MedGen C0007194, MeSH D002312, MONDO:0005045, HP:0001639.

Allele frequency attached by ClinVar (database versions not stated): ExAC 0.00001; gnomAD exomes 0.00001 and 0.00003.
gnomAD v4.1: 38 of 1,613,570 alleles (0.0024%); highest among the groups gnomAD compares: Non-Finnish European, 0.0032%; no homozygotes.

Submissions (3):

Labcorp Genetics (formerly Invitae), Labcorp
Classification: Uncertain significance for Hypertrophic cardiomyopathy. Last evaluated: 2025-12-08. Review status: criteria provided, single submitter. Criteria: Invitae Variant Classification Sherloc (09022015). Collection method: clinical testing. Allele origin: germline.
Comment: This sequence change replaces alanine, which is neutral and non-polar, with threonine, which is neutral and polar, at codon 650 of the JPH2 protein (p.Ala650Thr). The frequency data for this variant in the population databases is considered unreliable, as metrics indicate poor data quality at this position in the gnomAD database. This variant has not been reported in the literature in individuals affected with JPH2-related conditions. ClinVar contains an entry for this variant (Variation ID: 1037202). An algorithm developed to predict the effect of missense changes on protein structure and function (PolyPhen-2) suggests that this variant is likely to be tolerated. In summary, the available evidence is currently insufficient to determine the role of this variant in disease. Therefore, it has been classified as a Variant of Uncertain Significance.

Ambry Genetics
Classification: Uncertain significance for Cardiovascular phenotype. Last evaluated: 2024-07-30. Review status: criteria provided, single submitter. Criteria: Ambry Variant Classification Scheme 2023. Collection method: clinical testing. Allele origin: germline.
Comment: The p.A650T variant (also known as c.1948G>A), located in coding exon 4 of the JPH2 gene, results from a G to A substitution at nucleotide position 1948. The alanine at codon 650 is replaced by threonine, an amino acid with similar properties. This variant has been observed in at least one individual with a personal and/or family history that is consistent with hypertrophic cardiomyopathy (Ambry internal data). This amino acid position is well conserved in available vertebrate species. In addition, this alteration is predicted to be tolerated by in silico analysis. Based on the available evidence, the clinical significance of this variant remains unclear for autosomal dominant hypertrophic cardiomyopathy; however, it is unlikely to be causative of autosomal recessive dilated cardiomyopathy.

Blueprint Genetics
Classification: Likely benign. Last evaluated: 2022-05-13. Review status: criteria provided, single submitter. Criteria: ACMG Guidelines, 2015. Collection method: clinical testing. Allele origin: germline.